The following is an entry in ClinVar:

NM_024675.4(PALB2):c.2982T>A (p.Phe994Leu)

Gene: PALB2 (partner and localizer of BRCA2; minus strand). Cytogenetic location: 16p12.2.
Variant type: single nucleotide variant.
Coding change: c.2982T>A on transcript NM_024675.4 (MANE Select); coding-DNA position 2982, T replaced by A.
Protein change: p.Phe994Leu; replaces phenylalanine 994 with leucine.
Molecular consequence: missense variant.
Genome position (GRCh38, 1-based): chr16:23,622,983, A>T on the plus strand (T>A on the coding strand, the complement: PALB2 is on the minus strand). VCF-style: chr16-23622983-A-T. GRCh37 (hg19) VCF-style: chr16-23634304-A-T.
Other names: short protein forms F994L.
Identifiers: ClinVar variation 460973 (VCV000460973.9), dbSNP rs1555459516, ClinGen allele CA395143905.
Genomic context (GRCh38, chr16:23,622,983, plus strand): 5'-ATCATTCTTCATCTAATAGTTAAAAATCAATCAATGCTTTTCTTACCCTCCATCTTCTGC[A>T]AACGTCATGACTTCTACTTGTTGATCAGAAAGGGTCCCACTGCTACTAACTAGCCTCCTC-3'
Protein context (NP_078951.2, residues 984-1004): LSDQQVEVMT[Phe994Leu]AEDGGGKENQ

ClinVar aggregate classification (germline): Uncertain significance (1 of 4 stars; one submission).

Conditions:
Familial cancer of breast. Also called: BREAST CANCER, FAMILIAL; Hereditary breast cancer; hereditary breast carcinoma. Identifiers: Orphanet 227535, MedGen C0346153, MONDO:0016419, OMIM 114480. Disease mechanism: loss of function.

Submission:

Labcorp Genetics (formerly Invitae), Labcorp
Classification: Uncertain significance for Familial cancer of breast. Last evaluated: 2024-04-29. Review status: criteria provided, single submitter. Criteria: Invitae Variant Classification Sherloc (09022015). Collection method: clinical testing. Allele origin: germline.
Comment: This sequence change replaces phenylalanine, which is neutral and non-polar, with leucine, which is neutral and non-polar, at codon 994 of the PALB2 protein (p.Phe994Leu). This variant is not present in population databases (gnomAD no frequency). This variant has not been reported in the literature in individuals affected with PALB2-related conditions. ClinVar contains an entry for this variant (Variation ID: 460973). Advanced modeling of protein sequence and biophysical properties (such as structural, functional, and spatial information, amino acid conservation, physicochemical variation, residue mobility, and thermodynamic stability) performed at Invitae indicates that this missense variant is not expected to disrupt PALB2 protein function with a negative predictive value of 80%. In summary, the available evidence is currently insufficient to determine the role of this variant in disease. Therefore, it has been classified as a Variant of Uncertain Significance.